The following is an entry in ClinVar:

ClinVar aggregate classification (germline): Uncertain significance (1 of 4 stars; one submission).

gnomAD v4.1: 8 of 1,550,958 alleles (0.00052%); highest among the groups gnomAD compares: Non-Finnish European, 0.00052%; no homozygotes.

Submission:

Labcorp Genetics (formerly Invitae), Labcorp
Classification: Uncertain significance. Last evaluated: 2024-11-14. Review status: criteria provided, single submitter. Criteria: Invitae Variant Classification Sherloc (09022015). Collection method: clinical testing. Allele origin: germline.
Comment: This sequence change replaces asparagine, which is neutral and polar, with lysine, which is basic and polar, at codon 1489 of the TET2 protein (p.Asn1489Lys). This variant is not present in population databases (gnomAD no frequency). This variant has not been reported in the literature in individuals affected with TET2-related conditions. An algorithm developed to predict the effect of missense changes on protein structure and function (PolyPhen-2) suggests that this variant is likely to be tolerated. In summary, the available evidence is currently insufficient to determine the role of this variant in disease. Therefore, it has been classified as a Variant of Uncertain Significance.

NM_001127208.3(TET2):c.4467T>A (p.Asn1489Lys)

Genes: TET2 (tet methylcytosine dioxygenase 2; plus strand), TET2-AS1 (TET2 antisense RNA 1; minus strand). Cytogenetic location: 4q24.
Variant type: single nucleotide variant.
Coding change: c.4467T>A on transcript NM_001127208.3 (MANE Select); coding-DNA position 4467, T replaced by A.
Protein change: p.Asn1489Lys; replaces asparagine 1489 with lysine.
Molecular consequence: missense variant.
Genome position (GRCh38, 1-based): chr4:105,272,848, T>A. VCF-style: chr4-105272848-T-A. GRCh37 (hg19) VCF-style: chr4-106194005-T-A.
Other names: short protein forms N1489K.
Identifiers: ClinVar variation 3619452 (VCV003619452.2).